The following is an entry in ClinVar:

ClinVar aggregate classification (germline): Uncertain significance. Review status: criteria provided, multiple submitters, no conflicts (2 of 4 stars). 3 submissions from 3 submitters: Uncertain significance (3). Last evaluated 2024-12-30.

Allele frequency attached by ClinVar (database versions not stated): ExAC 0.00002; gnomAD exomes 0.00004 and 0.00005; gnomAD 0.00005; TOPMed 0.00006.
gnomAD v4.1: 82 of 1,582,844 alleles (0.0052%); highest among the groups gnomAD compares: Non-Finnish European, 0.0069%; no homozygotes.

Submissions (3):

Labcorp Genetics (formerly Invitae), Labcorp
Classification: Uncertain significance. Last evaluated: 2024-12-30. Review status: criteria provided, single submitter. Criteria: Invitae Variant Classification Sherloc (09022015). Collection method: clinical testing. Allele origin: germline.
Comment: This sequence change replaces tyrosine, which is neutral and polar, with cysteine, which is neutral and slightly polar, at codon 45 of the SEMA4A protein (p.Tyr45Cys). This variant is present in population databases (rs767886618, gnomAD 0.008%). This variant has not been reported in the literature in individuals affected with SEMA4A-related conditions. ClinVar contains an entry for this variant (Variation ID: 1021226). Invitae Evidence Modeling of protein sequence and biophysical properties (such as structural, functional, and spatial information, amino acid conservation, physicochemical variation, residue mobility, and thermodynamic stability) indicates that this missense variant is not expected to disrupt SEMA4A protein function with a negative predictive value of 80%. In summary, the available evidence is currently insufficient to determine the role of this variant in disease. Therefore, it has been classified as a Variant of Uncertain Significance.

Ambry Genetics
Classification: Uncertain significance. Last evaluated: 2024-03-04. Review status: criteria provided, single submitter. Criteria: Ambry Variant Classification Scheme 2023. Collection method: clinical testing. Allele origin: germline.

Blueprint Genetics
Classification: Uncertain significance. Last evaluated: 2022-06-24. Review status: criteria provided, single submitter. Criteria: ACMG Guidelines, 2015. Collection method: clinical testing. Allele origin: germline.

NM_022367.4(SEMA4A):c.134A>G (p.Tyr45Cys)

Gene: SEMA4A (semaphorin 4A; plus strand). Cytogenetic location: 1q22.
Variant type: single nucleotide variant.
Coding change: c.134A>G on transcript NM_022367.4 (MANE Select); coding-DNA position 134, A replaced by G.
Protein change: p.Tyr45Cys; replaces tyrosine 45 with cysteine.
Molecular consequence: missense variant. On other transcripts: 5 prime UTR variant (1), intron variant (3).
Genome position (GRCh38, 1-based): chr1:156,154,712, A>G. VCF-style: chr1-156154712-A-G. GRCh37 (hg19) VCF-style: chr1-156124503-A-G.
Other names: c.134A>G, p.Tyr45Cys (NM_001193300.2, NM_001193301.2, NM_001370567.1); c.-391A>G (NM_001370571.1); c.-385-1702A>G (NM_001370569.1); c.-158-1702A>G (NM_001370568.1); c.-159+948A>G (NM_001193302.2); c.134A>G (NM_022367.3); short protein forms Y45C.
Identifiers: ClinVar variation 1021226 (VCV001021226.8), dbSNP rs767886618, ClinGen allele CA1154916.